The following is an entry in ClinVar:

NM_000108.5(DLD):c.82T>C (p.Ser28Pro)

Gene: DLD (dihydrolipoamide dehydrogenase; plus strand). Cytogenetic location: 7q31.1.
Variant type: single nucleotide variant.
Coding change: c.82T>C on transcript NM_000108.5 (MANE Select); coding-DNA position 82, T replaced by C.
Protein change: p.Ser28Pro; replaces serine 28 with proline.
Molecular consequence: missense variant. On other transcripts: 5 prime UTR variant (1).
Genome position (GRCh38, 1-based): chr7:107,893,242, T>C. VCF-style: chr7-107893242-T-C. GRCh37 (hg19) VCF-style: chr7-107533687-T-C.
Other names: p.S28P:TCT>CCT; p.Ser28Pro; c.-67T>C (NM_001289750.1); c.82T>C, p.Ser28Pro (NM_001289751.1, NM_001289752.1); short protein forms S28P.
Identifiers: ClinVar variation 203683 (VCV000203683.8), dbSNP rs768123909, ClinGen allele CA312470.

ClinVar aggregate classification (germline): Uncertain significance. Review status: criteria provided, multiple submitters, no conflicts (2 of 4 stars). 4 submissions from 4 submitters: Uncertain significance (3). 1 of the submissions does not count toward it. Last evaluated 2025-06-27.

Conditions:
Pyruvate dehydrogenase E3 deficiency (DLDD). Also called: Dihydrolipoamide Dehydrogenase E3 Deficiency; Lipoamide dehydrogenase deficiency, lactic acidosis due to; DLD DEFICIENCY; E3 DEFICIENCY; Dihydrolipoamide Dehydrogenase (E3) Deficiency; Dihydrolipoamide Dehydrogenase Deficiency. Identifiers: Orphanet 2394, Orphanet 765, MedGen C5574660, MONDO:0009529, OMIM 246900.

Allele frequency attached by ClinVar (database versions not stated): ExAC 0.00002; gnomAD 0.00004; gnomAD exomes 0.00004; TOPMed 0.00006.
gnomAD v4.1: 100 of 1,613,500 alleles (0.0062%); highest among the groups gnomAD compares: Non-Finnish European, 0.0074%; no homozygotes.

Submissions (4):

Mayo Clinic Laboratories, Mayo Clinic
Classification: Uncertain significance. Last evaluated: 2025-06-27. Review status: criteria provided, single submitter. Criteria: ACMG Guidelines, 2015. Collection method: clinical testing. Allele origin: germline. Observed: 1 variant allele.
Comment: BP4

Labcorp Genetics (formerly Invitae), Labcorp
Classification: Uncertain significance for Pyruvate dehydrogenase E3 deficiency. Last evaluated: 2024-11-05. Review status: criteria provided, single submitter. Criteria: Invitae Variant Classification Sherloc (09022015). Collection method: clinical testing. Allele origin: germline.
Comment: This sequence change replaces serine, which is neutral and polar, with proline, which is neutral and non-polar, at codon 28 of the DLD protein (p.Ser28Pro). This variant is present in population databases (rs768123909, gnomAD 0.008%). This variant has not been reported in the literature in individuals affected with DLD-related conditions. ClinVar contains an entry for this variant (Variation ID: 203683). Invitae Evidence Modeling of protein sequence and biophysical properties (such as structural, functional, and spatial information, amino acid conservation, physicochemical variation, residue mobility, and thermodynamic stability) indicates that this missense variant is not expected to disrupt DLD protein function with a negative predictive value of 95%. In summary, the available evidence is currently insufficient to determine the role of this variant in disease. Therefore, it has been classified as a Variant of Uncertain Significance.

GeneDx
Classification: Uncertain significance. Last evaluated: 2012-10-18. Review status: criteria provided, single submitter. Criteria: GeneDx Variant Classification (06012015). Collection method: clinical testing. Allele origin: germline. Affected: yes.
Comment: p.Ser28Pro (TCT>CCT):c.82 T>C in exon 2 of the DLD gene (NM_000108.3) The S28P missense substitution has not been published as a mutation, nor has it been reported as a benign polymorphism to our knowledge. The amino acid change is non-conservative in that a polar Serine is replaced by a non-polar Proline with a unique ring structure. This change occurs at a position in the DLD protein that is not highly conserved. Multiple in-silico analysis models predict that S28P is a benign sequence change. Therefore, based on the currently available information it is unclear whether S28P is a disease-causing mutation or a rare benign variant. The variant is found in MITONUC-MITOP panel(s).

Natera, Inc.
Classification: Uncertain significance for Maple syrup urine disease type 3. Last evaluated: 2019-10-28. Review status: no assertion criteria provided. Collection method: clinical testing. Allele origin: germline. Not counted in ClinVar's aggregate classification.